The following is an entry in ClinVar:

ClinVar aggregate classification (germline): Uncertain significance. Review status: criteria provided, multiple submitters, no conflicts (2 of 4 stars). 2 submissions from 2 submitters: Uncertain significance (2). Last evaluated 2025-03-03.

Conditions:
Hypertrophic cardiomyopathy 2. Also called: TNNT2-Related Familial Hypertrophic Cardiomyopathy. Identifiers: MedGen C1861864, MONDO:0007266, OMIM 115195.
Dilated cardiomyopathy 1D. Identifiers: Orphanet 154, Orphanet 54260, MedGen C1832243, MONDO:0011095, OMIM 601494.
Cardiomyopathy, familial restrictive, 3. Identifiers: Orphanet 75249, MedGen C2676271, MONDO:0012900, OMIM 612422.
Cardiovascular phenotype. Identifiers: MedGen CN230736.

Submissions (2):

Ambry Genetics
Classification: Uncertain significance for Cardiovascular phenotype. Last evaluated: 2025-03-03. Review status: criteria provided, single submitter. Criteria: Ambry Variant Classification Scheme 2023. Collection method: clinical testing. Allele origin: germline.
Comment: The p.K197E variant (also known as c.589A>G), located in coding exon 12 of the TNNT2 gene, results from an A to G substitution at nucleotide position 589. The lysine at codon 197 is replaced by glutamic acid, an amino acid with similar properties. This variant was reported in an individual in a cardiomyopathy cohort (Akinrinade O et al. J Cardiovasc Transl Res, 2023 Dec;16:1287-1302). This amino acid position is not well conserved in available vertebrate species. In addition, the in silico prediction for this alteration is inconclusive. Based on the available evidence, the clinical significance of this variant remains unclear.

Labcorp Genetics (formerly Invitae), Labcorp
Classification: Uncertain significance for Cardiomyopathy, familial restrictive, 3; Hypertrophic cardiomyopathy 2; Dilated cardiomyopathy 1D. Last evaluated: 2022-12-20. Review status: criteria provided, single submitter. Criteria: Invitae Variant Classification Sherloc (09022015). Collection method: clinical testing. Allele origin: germline.
Comment: This variant has not been reported in the literature in individuals affected with TNNT2-related conditions. This variant is not present in population databases (gnomAD no frequency). This sequence change replaces lysine, which is basic and polar, with glutamic acid, which is acidic and polar, at codon 197 of the TNNT2 protein (p.Lys197Glu). In summary, the available evidence is currently insufficient to determine the role of this variant in disease. Therefore, it has been classified as a Variant of Uncertain Significance. Advanced modeling of protein sequence and biophysical properties (such as structural, functional, and spatial information, amino acid conservation, physicochemical variation, residue mobility, and thermodynamic stability) performed at Invitae indicates that this missense variant is expected to disrupt TNNT2 protein function. ClinVar contains an entry for this variant (Variation ID: 937912).

Literature cited by the submitters: PubMed 37477868 (cited by Ambry Genetics).

NM_001276345.2(TNNT2):c.619A>G (p.Lys207Glu)

Gene: TNNT2 (troponin T2, cardiac type; minus strand). Cytogenetic location: 1q32.1.
Variant type: single nucleotide variant.
Coding change: c.619A>G on transcript NM_001276345.2 (MANE Select); coding-DNA position 619, A replaced by G.
Protein change: p.Lys207Glu; replaces lysine 207 with glutamic acid.
Molecular consequence: missense variant.
Genome position (GRCh38, 1-based): chr1:201,362,013, T>C on the plus strand (A>G on the coding strand, the complement: TNNT2 is on the minus strand). VCF-style: chr1-201362013-T-C. GRCh37 (hg19) VCF-style: chr1-201331141-T-C.
Other names: c.610A>G, p.Lys204Glu (NM_000364.4); c.589A>G, p.Lys197Glu (NM_001001430.3, NM_001276347.2); c.580A>G, p.Lys194Glu (NM_001001431.3); c.571A>G, p.Lys191Glu (NM_001001432.3); c.490A>G, p.Lys164Glu (NM_001276346.2); c.589A>G (NM_001001430.1); short protein forms K194E, K207E, K204E, K164E, K191E, K197E.
Identifiers: ClinVar variation 937912 (VCV000937912.10), dbSNP rs1658737079, ClinGen allele CA344203992.